The following is an entry in ClinVar:

ClinVar aggregate classification (germline): Pathogenic (1 of 4 stars; one submission).

Submission:

Labcorp Genetics (formerly Invitae), Labcorp
Classification: Pathogenic. Last evaluated: 2025-12-24. Review status: criteria provided, single submitter. Criteria: Invitae Variant Classification Sherloc (09022015). Collection method: clinical testing. Allele origin: germline.
Comment: This sequence change creates a premature translational stop signal (p.Val154Cysfs*19) in the CYP11B1 gene. It is expected to result in an absent or disrupted protein product. Loss-of-function variants in CYP11B1 are known to be pathogenic (PMID: 8506298, 26476331). This variant is not present in population databases (gnomAD no frequency). This variant has not been reported in the literature in individuals affected with CYP11B1-related conditions. For these reasons, this variant has been classified as Pathogenic.

Literature cited by the submitters: PubMed 8506298; PubMed 26476331.

NM_000497.4(CYP11B1):c.460del (p.Val154fs)

Genes: CYP11B1 (cytochrome P450 family 11 subfamily B member 1; minus strand), LOC106799833 (CYP11B1 recombination region; plus strand). Cytogenetic location: 8q24.3.
Variant type: Deletion.
Coding change: c.460del on transcript NM_000497.4 (MANE Select); coding-DNA position 460, one base deleted (G; older notation c.460delG).
Protein change: p.Val154fs; shifts the reading frame from valine 154.
Molecular consequence: frameshift variant.
Genome position (GRCh38, 1-based): chr8:142,877,158, C deleted on the plus strand (G on the coding strand, the reverse complement: CYP11B1 is on the minus strand). VCF-style (leftmost placement, unchanged base first): chr8-142877157-AC-A. GRCh37 (hg19) VCF-style: chr8-143958573-AC-A.
Other names: c.460del, p.Val154fs (NM_001026213.1); short protein forms V154fs.
Identifiers: ClinVar variation 4733546 (VCV004733546.1).